The following is an entry in ClinVar:

ClinVar aggregate classification (germline): Uncertain significance (1 of 4 stars; one submission).

Conditions:
Hereditary cancer-predisposing syndrome. Also called: Hereditary Cancer Syndrome; Tumor predisposition; Hereditary neoplastic syndrome; Neoplastic Syndromes, Hereditary. Identifiers: Orphanet 140162, MedGen C0027672, MeSH D009386, MONDO:0015356.
Cardiovascular phenotype. Identifiers: MedGen CN230736.

Submission:

Ambry Genetics
Classification: Uncertain significance for Cardiovascular phenotype; Hereditary cancer-predisposing syndrome. Last evaluated: 2024-09-18. Review status: criteria provided, single submitter. Criteria: Ambry Variant Classification Scheme 2023. Collection method: clinical testing. Allele origin: germline.
Comment: The p.Q2207E variant (also known as c.6619C>G), located in coding exon 43 of the NF1 gene, results from a C to G substitution at nucleotide position 6619. The glutamine at codon 2207 is replaced by glutamic acid, an amino acid with highly similar properties. This amino acid position is conserved. In addition, the in silico prediction for this alteration is inconclusive. Based on the available evidence, the clinical significance of this variant remains unclear.

NM_001042492.3(NF1):c.6682C>G (p.Gln2228Glu)

Gene: NF1 (neurofibromin 1; plus strand). Cytogenetic location: 17q11.2.
Variant type: single nucleotide variant.
Coding change: c.6682C>G on transcript NM_001042492.3 (MANE Select); coding-DNA position 6682, C replaced by G.
Protein change: p.Gln2228Glu; replaces glutamine 2228 with glutamic acid.
Molecular consequence: missense variant.
Genome position (GRCh38, 1-based): chr17:31,337,858, C>G. VCF-style: chr17-31337858-C-G. GRCh37 (hg19) VCF-style: chr17-29664876-C-G.
Other names: c.6619C>G, p.Gln2207Glu (NM_000267.4); short protein forms Q2228E, Q2207E.
Identifiers: ClinVar variation 3404748 (VCV003404748.1).